The following is an entry in ClinVar:

NM_006445.4(PRPF8):c.50C>G (p.Pro17Arg)

Gene: PRPF8 (pre-mRNA processing factor 8; minus strand). Cytogenetic location: 17p13.3.
Variant type: single nucleotide variant.
Coding change: c.50C>G on transcript NM_006445.4 (MANE Select); coding-DNA position 50, C replaced by G.
Protein change: p.Pro17Arg; replaces proline 17 with arginine.
Molecular consequence: missense variant.
Genome position (GRCh38, 1-based): chr17:1,684,522, G>C on the plus strand (C>G on the coding strand, the complement: PRPF8 is on the minus strand). VCF-style: chr17-1684522-G-C. GRCh37 (hg19) VCF-style: chr17-1587816-G-C.
Other names: short protein forms P17R.
Identifiers: ClinVar variation 1016378 (VCV001016378.6), dbSNP rs1281548539, ClinGen allele CA397572437.
Genomic context (GRCh38, chr17:1,684,522, plus strand): 5'-CTCGCCTCACCTTTCTCCTGCAGCTTCTCCTCCGACATGTAGTCCGGTAGCGGGGCTAGA[G>C]GGCCAGGCACCGGGTTACCCGGCCCTCGATAAGGAAACACTCCGGCCATATCCGGAGAAT-3'
Protein context (NP_006436.3, residues 7-27): YRGPGNPVPG[Pro17Arg]LAPLPDYMSE

ClinVar aggregate classification (germline): Uncertain significance. Review status: criteria provided, multiple submitters, no conflicts (2 of 4 stars). 2 submissions from 2 submitters: Uncertain significance (2). Last evaluated 2024-08-11.

Allele frequency attached by ClinVar (database versions not stated): gnomAD 0.00001; gnomAD exomes 0.00001; TOPMed 0.00002.
gnomAD v4.1: 12 of 1,612,538 alleles (0.00074%); highest among the groups gnomAD compares: Non-Finnish European, 0.001%; no homozygotes.

Submissions (2):

Labcorp Genetics (formerly Invitae), Labcorp
Classification: Uncertain significance. Last evaluated: 2024-08-11. Review status: criteria provided, single submitter. Criteria: Invitae Variant Classification Sherloc (09022015). Collection method: clinical testing. Allele origin: germline.
Comment: This sequence change replaces proline, which is neutral and non-polar, with arginine, which is basic and polar, at codon 17 of the PRPF8 protein (p.Pro17Arg). This variant is present in population databases (no rsID available, gnomAD 0.002%). This variant has not been reported in the literature in individuals affected with PRPF8-related conditions. ClinVar contains an entry for this variant (Variation ID: 1016378). An algorithm developed to predict the effect of missense changes on protein structure and function (PolyPhen-2) suggests that this variant is likely to be tolerated. In summary, the available evidence is currently insufficient to determine the role of this variant in disease. Therefore, it has been classified as a Variant of Uncertain Significance.

Blueprint Genetics
Classification: Uncertain significance. Last evaluated: 2023-09-12. Review status: criteria provided, single submitter. Criteria: ACMG Guidelines, 2015. Collection method: clinical testing. Allele origin: germline.